The following is an entry in ClinVar:

NM_005235.3(ERBB4):c.259G>A (p.Val87Met)

Gene: ERBB4 (erb-b2 receptor tyrosine kinase 4; minus strand). Cytogenetic location: 2q34.
Variant type: single nucleotide variant.
Coding change: c.259G>A on transcript NM_005235.3 (MANE Select); coding-DNA position 259, G replaced by A.
Protein change: p.Val87Met; replaces valine 87 with methionine.
Molecular consequence: missense variant.
Genome position (GRCh38, 1-based): chr2:211,947,592, C>T on the plus strand (G>A on the coding strand, the complement: ERBB4 is on the minus strand). VCF-style: chr2-211947592-C-T. GRCh37 (hg19) VCF-style: chr2-212812317-C-T.
Other names: c.259G>A, p.Val87Met (NM_001042599.2); short protein forms V87M.
Identifiers: ClinVar variation 1495332 (VCV001495332.6), dbSNP rs143662416, ClinGen allele CA2088474.

ClinVar aggregate classification (germline): Uncertain significance (1 of 4 stars; one submission).

gnomAD v4.1: 20 of 1,613,696 alleles (0.0012%); highest among the groups gnomAD compares: Non-Finnish European, 0.0016%; no homozygotes.

Submission:

Labcorp Genetics (formerly Invitae), Labcorp
Classification: Uncertain significance. Last evaluated: 2023-05-17. Review status: criteria provided, single submitter. Criteria: Invitae Variant Classification Sherloc (09022015). Collection method: clinical testing. Allele origin: germline.
Comment: In summary, the available evidence is currently insufficient to determine the role of this variant in disease. Therefore, it has been classified as a Variant of Uncertain Significance. Advanced modeling of protein sequence and biophysical properties (such as structural, functional, and spatial information, amino acid conservation, physicochemical variation, residue mobility, and thermodynamic stability) performed at Invitae indicates that this missense variant is expected to disrupt ERBB4 protein function. This sequence change replaces valine, which is neutral and non-polar, with methionine, which is neutral and non-polar, at codon 87 of the ERBB4 protein (p.Val87Met). This variant is present in population databases (rs143662416, gnomAD 0.006%). ClinVar contains an entry for this variant (Variation ID: 1495332). This variant has not been reported in the literature in individuals affected with ERBB4-related conditions.